The following is an entry in ClinVar:

ClinVar aggregate classification (germline): Uncertain significance (1 of 4 stars; one submission).

gnomAD v4.1: 3 of 1,609,496 alleles (0.00019%); highest among the groups gnomAD compares: Non-Finnish European, 0.00026%; no homozygotes.

Submission:

Labcorp Genetics (formerly Invitae), Labcorp
Classification: Uncertain significance. Last evaluated: 2024-01-06. Review status: criteria provided, single submitter. Criteria: Invitae Variant Classification Sherloc (09022015). Collection method: clinical testing. Allele origin: germline.
Comment: This sequence change falls in intron 2 of the TANGO2 gene. It does not directly change the encoded amino acid sequence of the TANGO2 protein. It affects a nucleotide within the consensus splice site. The frequency data for this variant in the population databases is considered unreliable, as metrics indicate poor data quality at this position in the gnomAD database. This variant has not been reported in the literature in individuals affected with TANGO2-related conditions. Variants that disrupt the consensus splice site are a relatively common cause of aberrant splicing (PMID: 17576681, 9536098). Algorithms developed to predict the effect of sequence changes on RNA splicing suggest that this variant is not likely to affect RNA splicing. In summary, the available evidence is currently insufficient to determine the role of this variant in disease. Therefore, it has been classified as a Variant of Uncertain Significance.

Literature cited by the submitters: PubMed 17576681; PubMed 9536098.

NM_152906.7(TANGO2):c.57-3C>A

Gene: TANGO2 (transport and golgi organization 2 homolog; plus strand). Cytogenetic location: 22q11.21.
Variant type: single nucleotide variant.
Coding change: c.57-3C>A on transcript NM_152906.7 (MANE Select); 3 bases into the intron before coding-DNA position 57, C replaced by A.
Molecular consequence: intron variant.
Genome position (GRCh38, 1-based): chr22:20,043,352, C>A. VCF-style: chr22-20043352-C-A. GRCh37 (hg19) VCF-style: chr22-20030875-C-A.
Other names: c.57-3C>A (NM_001283179.3, NM_001322163.2, NM_001322167.2 and 10 more transcripts); c.-123-3C>A (NM_001322172.2, NM_001322174.2, NM_001322160.2 and 9 more transcripts); c.180-3C>A (NM_001322143.2, NM_001322145.2, NM_001322141.2 and 5 more transcripts).
Identifiers: ClinVar variation 2992583 (VCV002992583.3), dbSNP rs750814833, ClinGen allele CA10106187.